The following is an entry in ClinVar:

ClinVar aggregate classification (germline): Likely benign (1 of 4 stars; one submission).

Submission:

CeGaT Center for Human Genetics Tuebingen
Classification: Likely benign. Last evaluated: 2026-05-01. Review status: criteria provided, single submitter. Criteria: CeGaT Center For Human Genetics Tuebingen Variant Classification Criteria Version 2. Collection method: clinical testing. Allele origin: germline. Affected: yes. Observed: 2 variant alleles.
Comment: KIR2DL1: BP4, BP7

NM_014218.3(KIR2DL1):c.715+1443C>T

Gene: KIR2DL1 (killer cell immunoglobulin like receptor, two Ig domains and long cytoplasmic tail 1). Cytogenetic location: 19q13.42.
Variant type: single nucleotide variant.
Coding change: c.715+1443C>T on transcript NM_014218.3 (MANE Select); 1443 bases into the intron after coding-DNA position 715, C replaced by T.
Molecular consequence: intron variant.
Genome position (GRCh38, 1-based): chr19:54,780,105, C>T. VCF-style: chr19-54780105-C-T. GRCh37 (hg19) VCF-style: chr19-55291557-C-T.
Identifiers: ClinVar variation 4533830 (VCV004533830.6).